The following is an entry in ClinVar:

NM_001005242.3(PKP2):c.1770C>G (p.Asn590Lys)

Gene: PKP2 (plakophilin 2; minus strand). Cytogenetic location: 12p11.21.
Variant type: single nucleotide variant.
Coding change: c.1770C>G on transcript NM_001005242.3 (MANE Select); coding-DNA position 1770, C replaced by G.
Protein change: p.Asn590Lys; replaces asparagine 590 with lysine.
Molecular consequence: missense variant. On other transcripts: intron variant (1).
Genome position (GRCh38, 1-based): chr12:32,822,536, G>C on the plus strand (C>G on the coding strand, the complement: PKP2 is on the minus strand). VCF-style: chr12-32822536-G-C. GRCh37 (hg19) VCF-style: chr12-32975470-G-C.
Other names: c.1770C>G, p.Asn590Lys (NM_001407155.1, NM_001407161.1); c.1902C>G, p.Asn634Lys (NM_001407157.1, NM_004572.4); c.1443C>G, p.Asn481Lys (NM_001407158.1, NM_001407159.1, NM_001407160.1 and 1 more transcripts); c.1675-1007C>G (NM_001407156.1); short protein forms N481K, N590K, N634K.
Identifiers: ClinVar variation 4758216 (VCV004758216.1).

ClinVar aggregate classification (germline): Uncertain significance (1 of 4 stars; one submission).

Conditions:
Cardiomyopathy (CMYO). Also called: Cardiomyopathies. Identifiers: Orphanet 167848, MedGen C0878544, MONDO:0004994, HP:0001638. Inheritance: Various modes of inheritance.

Submission:

Color Diagnostics, LLC DBA Color Health
Classification: Uncertain significance for Cardiomyopathy. Last evaluated: 2025-10-20. Review status: criteria provided, single submitter. Criteria: ACMG Guidelines, 2015. Collection method: clinical testing. Allele origin: germline.
Comment: This missense variant replaces asparagine with lysine at codon 634 of the PKP2 protein. Computational prediction suggests that this variant may not impact protein structure and function. To our knowledge, functional studies have not been reported for this variant. This variant has not been reported in individuals affected with PKP2-related disorders in the literature. This variant has not been identified in the general population by the Genome Aggregation Database (gnomAD). The available evidence is insufficient to determine the role of this variant in disease conclusively. Therefore, this variant is classified as a Variant of Uncertain Significance.